The following is an entry in ClinVar:

NM_031844.3(HNRNPU):c.1856A>G (p.Lys619Arg)

Gene: HNRNPU (heterogeneous nuclear ribonucleoprotein U; minus strand). Cytogenetic location: 1q44.
Variant type: single nucleotide variant.
Coding change: c.1856A>G on transcript NM_031844.3 (MANE Select); coding-DNA position 1856, A replaced by G.
Protein change: p.Lys619Arg; replaces lysine 619 with arginine.
Molecular consequence: missense variant.
Genome position (GRCh38, 1-based): chr1:244,856,513, T>C on the plus strand (A>G on the coding strand, the complement: HNRNPU is on the minus strand). VCF-style: chr1-244856513-T-C. GRCh37 (hg19) VCF-style: chr1-245019815-T-C.
Other names: c.1799A>G, p.Lys600Arg (NM_004501.3); short protein forms K600R, K619R.
Identifiers: ClinVar variation 2501416 (VCV002501416.4), dbSNP rs1300093915, ClinGen allele CA345488956.

ClinVar aggregate classification (germline): Uncertain significance. Review status: criteria provided, multiple submitters, no conflicts (2 of 4 stars). 2 submissions from 2 submitters: Uncertain significance (2). Last evaluated 2024-12-28.

Conditions:
Developmental and epileptic encephalopathy, 54. Also called: HNRNPU-Related Neurodevelopmental Disorder; Epileptic encephalopathy, early infantile, 54. Identifiers: MedGen C4479319, MONDO:0033363, OMIM 617391.

Allele frequency attached by ClinVar (database versions not stated): gnomAD exomes below 0.00001.
gnomAD v4.1: 1 of 1,614,136 alleles (0.000062%); highest among the groups gnomAD compares: Admixed American, 0.0017%; no homozygotes.

Submissions (2):

Labcorp Genetics (formerly Invitae), Labcorp
Classification: Uncertain significance for Developmental and epileptic encephalopathy, 54. Last evaluated: 2024-12-28. Review status: criteria provided, single submitter. Criteria: Invitae Variant Classification Sherloc (09022015). Collection method: clinical testing. Allele origin: germline.
Comment: This sequence change replaces lysine, which is basic and polar, with arginine, which is basic and polar, at codon 619 of the HNRNPU protein (p.Lys619Arg). This variant is present in population databases (no rsID available, gnomAD 0.003%). This variant has not been reported in the literature in individuals affected with HNRNPU-related conditions. ClinVar contains an entry for this variant (Variation ID: 2501416). Invitae Evidence Modeling of protein sequence and biophysical properties (such as structural, functional, and spatial information, amino acid conservation, physicochemical variation, residue mobility, and thermodynamic stability) indicates that this missense variant is not expected to disrupt HNRNPU protein function with a negative predictive value of 95%. In summary, the available evidence is currently insufficient to determine the role of this variant in disease. Therefore, it has been classified as a Variant of Uncertain Significance.

GeneDx
Classification: Uncertain significance. Last evaluated: 2022-11-07. Review status: criteria provided, single submitter. Criteria: GeneDx Variant Classification Process June 2021. Collection method: clinical testing. Allele origin: germline. Affected: yes.
Comment: In silico analysis supports that this missense variant does not alter protein structure/function; Has not been previously published as pathogenic or benign to our knowledge